The following is an entry in ClinVar:

NM_198428.3(BBS9):c.2581A>T (p.Thr861Ser)

Gene: BBS9 (Bardet-Biedl syndrome 9; plus strand). Cytogenetic location: 7p14.3.
Variant type: single nucleotide variant.
Coding change: c.2581A>T on transcript NM_198428.3 (MANE Select); coding-DNA position 2581, A replaced by T.
Protein change: p.Thr861Ser; replaces threonine 861 with serine.
Molecular consequence: missense variant. On other transcripts: non-coding transcript variant (3), intron variant (1).
Genome position (GRCh38, 1-based): chr7:33,604,924, A>T. VCF-style: chr7-33604924-A-T. GRCh37 (hg19) VCF-style: chr7-33644536-A-T.
Other names: c.2476A>T, p.Thr826Ser (NM_001033604.2); c.2566A>T, p.Thr856Ser (NM_001033605.2); c.2581A>T, p.Thr861Ser (NM_001348036.1, NM_001348041.4, NM_001348043.3); c.2032A>T, p.Thr678Ser (NM_001348037.3); c.2308A>T, p.Thr770Ser (NM_001348038.3); c.2203A>T, p.Thr735Ser (NM_001348039.3); c.2461A>T, p.Thr821Ser (NM_001348040.3, NM_014451.4); c.2446A>T, p.Thr816Ser (NM_001348042.3); and 3 more; short protein forms T678S, T704S, T816S, T821S, T856S, T735S, T739S, T770S.
Identifiers: ClinVar variation 948011 (VCV000948011.9), dbSNP rs1864358642, ClinGen allele CA367256493.
Genomic context (GRCh38, chr7:33,604,924, plus strand): 5'-GGTGGTTGTACTACAATCCCAGAGTCAGACCTAGAAGAAAGATCAGTAGAACAAGACTCT[A>T]CAGAACTGTTTACCAACCACAGACATCTCACTGCAGAGACACCCAGGCCTGGTAAGAGAC-3'
Protein context (NP_940820.1, residues 851-871): LEERSVEQDS[Thr861Ser]ELFTNHRHLT

ClinVar aggregate classification (germline): Uncertain significance (1 of 4 stars; one submission).

Conditions:
Bardet-Biedl syndrome (BBS). Identifiers: Orphanet 110, MedGen C0752166, MONDO:0015229.

Submission:

Labcorp Genetics (formerly Invitae), Labcorp
Classification: Uncertain significance for Bardet-Biedl syndrome. Last evaluated: 2024-10-23. Review status: criteria provided, single submitter. Criteria: Invitae Variant Classification Sherloc (09022015). Collection method: clinical testing. Allele origin: germline.
Comment: This sequence change replaces threonine, which is neutral and polar, with serine, which is neutral and polar, at codon 861 of the BBS9 protein (p.Thr861Ser). This variant is not present in population databases (gnomAD no frequency). This variant has not been reported in the literature in individuals affected with BBS9-related conditions. ClinVar contains an entry for this variant (Variation ID: 948011). An algorithm developed to predict the effect of missense changes on protein structure and function outputs the following: PolyPhen-2: "Benign". The serine amino acid residue is found in multiple mammalian species, which suggests that this missense change does not adversely affect protein function. In summary, the available evidence is currently insufficient to determine the role of this variant in disease. Therefore, it has been classified as a Variant of Uncertain Significance.